The following is an entry in ClinVar:

ClinVar aggregate classification (germline): Uncertain significance (1 of 4 stars; one submission).

gnomAD v4.1: 1 of 1,614,186 alleles (0.000062%); highest among the groups gnomAD compares: African/African-American, 0.0013%; no homozygotes.

Submission:

GeneDx
Classification: Uncertain significance. Last evaluated: 2023-06-07. Review status: criteria provided, single submitter. Criteria: GeneDx Variant Classification Process June 2021. Collection method: clinical testing. Allele origin: germline. Affected: yes.
Comment: Not observed at significant frequency in large population cohorts (gnomAD); In silico analysis supports that this missense variant has a deleterious effect on protein structure/function; Has not been previously published as pathogenic or benign to our knowledge

NM_003244.4(TGIF1):c.321G>T (p.Gln107His)

Gene: TGIF1 (TGFB induced factor homeobox 1; plus strand). Cytogenetic location: 18p11.31.
Variant type: single nucleotide variant.
Coding change: c.321G>T on transcript NM_003244.4 (MANE Select); coding-DNA position 321, G replaced by T.
Protein change: p.Gln107His; replaces glutamine 107 with histidine.
Molecular consequence: missense variant.
Genome position (GRCh38, 1-based): chr18:3,457,442, G>T. VCF-style: chr18-3457442-G-T. GRCh37 (hg19) VCF-style: chr18-3457440-G-T.
Other names: c.330G>T, p.Gln110His (NM_001278682.2); c.321G>T, p.Gln107His (NM_001278684.2, NM_173208.3); c.261G>T, p.Gln87His (NM_001278686.3, NM_001374396.1, NM_001374397.1 and 5 more transcripts); c.363G>T, p.Gln121His (NM_173207.4); short protein forms Q107H, Q110H, Q121H, Q87H.
Identifiers: ClinVar variation 3359362 (VCV003359362.1).